The following is an entry in ClinVar:

ClinVar aggregate classification (germline): Likely pathogenic. Review status: reviewed by expert panel (3 of 4 stars). 2 submissions from 2 submitters: Likely pathogenic (1). 1 of the submissions does not count toward it. Last evaluated 2024-08-13.

Conditions:
von Willebrand disease type 2 (VWD2). Also called: VWD, TYPE 2; VON WILLEBRAND DISEASE, TYPE II; VON WILLEBRAND DISEASE, TYPE 2A/IIE; VON WILLEBRAND DISEASE, TYPE 2CB. Identifiers: Orphanet 166081, Orphanet 903, MedGen C1264040, MONDO:0013304, OMIM 613554.
Von Willebrand disease type 2A. Identifiers: Orphanet 166084, MedGen C1282968, MONDO:0015628. Inheritance: Autosomal recessive or autosomal dominant.

Submissions (2):

ClinGen von Willebrand Disease Variant Curation Expert Panel, ClinGen
Classification: Likely pathogenic for Von Willebrand disease type 2A. Last evaluated: 2024-08-13. Review status: reviewed by expert panel. Criteria: ClinGen VWD 2A B M Rules. Collection method: curation. Allele origin: germline. Inheritance: Autosomal dominant inheritance.
Comment: The NM_000552.5:c.2546G>A variant encodes a missense substitution of cysteine by tyrosine at codon 849 in VWF. The variant has been reported in at least 1 patient displaying excessive mucocutaneous bleeding as well as laboratory phenotypes of low activity/VWF:Ag ratio and loss of high molecular weight multimers, which together are specific for VWD type 2A. (PP4, PMID: 19422453, PMID: 35452508). The patient had three heterozygous missense mutations (R202W, C849Y, and R1583Q) in the VWF gene. R1583Q is classified Likely Benign by the VWD VCEP and R202W (ClinVar 619940 VUS) is also considered a VUS at this time. The variant is absent from gnomAD v4.1 (PM2_Supporting). The computational predictor REVEL gives a score of 0.579, which is below the ClinGen VWD VCEP PP3 threshold of >0.644 and does not predict a damaging effect on VWF function. However, the splicing predictor SpliceAI gives a delta score of 0.72 for donor loss (PP3), which has been functionally confirmed to result in an aberrant splicing product in an affected individual (Figure 3, PMID: 19422453). Multimerization assay performed with the p.Cys849Tyr recombinant mutant and a wild-type control vWF expressed by COS-7 cells showed absence of higher-MW multimers, indicating that this variant has a damaging effect on protein function consistent with the multimerization defect observed in the proband (PS3, PMID: 19422453). In summary, this variant meets the criteria to be classified as likely pathogenic for autosomal dominant VWD type 2A based on the ACMG/AMP criteria applied, as specified by the ClinGen VWD VCEP: PS3, PM2_supporting, PP3, PP4.

Angelo Bianchi Bonomi Hemophilia and Thrombosis Center, Fondazione IRCCS Ca Granda Ospedale Maggiore Policlinico
Classification: Likely pathogenic for von Willebrand disease type 2. Last evaluated: 2022-04-26. Review status: no assertion criteria provided. Collection method: clinical testing. Allele origin: germline. Affected: yes. Not counted in ClinVar's aggregate classification.

Literature cited by the submitters: PubMed 19422453 (cited by ClinGen von Willebrand Disease Variant Curation Expert Panel, ClinGen).

NM_000552.5(VWF):c.2546G>A (p.Cys849Tyr)

Gene: VWF (von Willebrand factor; minus strand). Cytogenetic location: 12p13.31.
Variant type: single nucleotide variant.
Coding change: c.2546G>A on transcript NM_000552.5 (MANE Select); coding-DNA position 2546, G replaced by A.
Protein change: p.Cys849Tyr; replaces cysteine 849 with tyrosine.
Molecular consequence: missense variant.
Genome position (GRCh38, 1-based): chr12:6,036,388, C>T on the plus strand (G>A on the coding strand, the complement: VWF is on the minus strand). VCF-style: chr12-6036388-C-T. GRCh37 (hg19) VCF-style: chr12-6145554-C-T.
Other names: NM_000552.5(VWF):c.2546G>A; p.Cys849Tyr; short protein forms C849Y.
Identifiers: ClinVar variation 1684006 (VCV001684006.2), dbSNP rs772796741, ClinGen allele CA383520272.
Genomic context (GRCh38, chr12:6,036,388, plus strand): 5'-TGCACCCTCACTCCACCCGCAGGGCCTGGGTCCCCGGCGCAGCCCCTCACTGAGCCTCAC[C>T]AAGTGTTGCAGCCAATCTTCACTGTTTCTCCAGGGGCATACTCCTTGCCCTGATGGAAGC-3'
Protein context (NP_000543.3, residues 839-859): GETVKIGCNT[Cys849Tyr]VCQDRKWNCT